The following is an entry in ClinVar:

ClinVar aggregate classification (germline): Uncertain significance. Review status: criteria provided, multiple submitters, no conflicts (2 of 4 stars). 3 submissions from 3 submitters: Uncertain significance (2). 1 of the submissions does not count toward it. Last evaluated 2025-03-01.

Conditions:
Inborn genetic diseases. Identifiers: MedGen C0950123, MeSH D030342.
Epidermolysis bullosa simplex 5B, with muscular dystrophy (EBS5B). Also called: EPIDERMOLYSIS BULLOSA SIMPLEX AND LIMB-GIRDLE MUSCULAR DYSTROPHY; Epidermolysis bullosa simplex with muscular dystrophy. Identifiers: Orphanet 257, MedGen C2931072, MONDO:0009181, OMIM 226670.
Autosomal recessive limb-girdle muscular dystrophy type 2Q (LGMDR17). Also called: MUSCULAR DYSTROPHY, LIMB-GIRDLE, AUTOSOMAL RECESSIVE 17. Identifiers: Orphanet 254361, MedGen C3150989, MONDO:0013390, OMIM 613723.
Epidermolysis bullosa simplex with nail dystrophy (EBS5D). Identifiers: MedGen C4225309, MONDO:0014661, OMIM 616487.
Epidermolysis bullosa simplex, Ogna type (EBS5A). Also called: Pidermolysis bullosa simplex 5A, Ogna type; EPIDERMOLYSIS BULLOSA SIMPLEX 5A, OGNA TYPE. Identifiers: Orphanet 79401, MedGen C0432317, MONDO:0007555, OMIM 131950.
Epidermolysis bullosa simplex 5C, with pyloric atresia (EBS5C). Also called: PLEC-Related Epidermolysis Bullosa with Pyloric Atresia; Epidermolysis bullosa simplex with pyloric atresia; PLEC1-Related Epidermolysis Bullosa with Pyloric Atresia. Identifiers: Orphanet 158684, MedGen C2677349, MONDO:0012807, OMIM 612138.
PLEC-related disorder. Also called: PLEC-related condition; PLEC-related disorders.

Allele frequency attached by ClinVar (database versions not stated): gnomAD 0.00005 and 0.00007; TOPMed 0.00015; 1000 Genomes Project 0.00060; 1000 Genomes Project 30x 0.00078.
gnomAD v4.1: 36 of 1,612,698 alleles (0.0022%); highest among the groups gnomAD compares: East Asian, 0.074%; no homozygotes.

Submissions (3):

Labcorp Genetics (formerly Invitae), Labcorp
Classification: Uncertain significance for Autosomal recessive limb-girdle muscular dystrophy type 2Q; Epidermolysis bullosa simplex, Ogna type; Epidermolysis bullosa simplex with nail dystrophy; Epidermolysis bullosa simplex 5C, with pyloric atresia; Epidermolysis bullosa simplex 5B, with muscular dystrophy. Last evaluated: 2025-03-01. Review status: criteria provided, single submitter. Criteria: Invitae Variant Classification Sherloc (09022015). Collection method: clinical testing. Allele origin: germline.
Comment: This sequence change replaces glycine, which is neutral and non-polar, with arginine, which is basic and polar, at codon 3766 of the PLEC protein (p.Gly3766Arg). This variant is present in population databases (rs547128082, gnomAD 0.1%). This variant has not been reported in the literature in individuals affected with PLEC-related conditions. ClinVar contains an entry for this variant (Variation ID: 834603). An algorithm developed to predict the effect of missense changes on protein structure and function (PolyPhen-2) suggests that this variant is likely to be disruptive. In summary, the available evidence is currently insufficient to determine the role of this variant in disease. Therefore, it has been classified as a Variant of Uncertain Significance.

Ambry Genetics
Classification: Uncertain significance for Inborn genetic diseases. Last evaluated: 2021-10-29. Review status: criteria provided, single submitter. Criteria: Ambry Variant Classification Scheme 2023. Collection method: clinical testing. Allele origin: germline.

PreventionGenetics, part of Exact Sciences
Classification: Uncertain significance for PLEC-related condition. Last evaluated: 2023-12-29. Review status: no assertion criteria provided. Collection method: clinical testing. Allele origin: germline. Not counted in ClinVar's aggregate classification.
Comment: The PLEC c.11296G>C variant is predicted to result in the amino acid substitution p.Gly3766Arg. To our knowledge, this variant has not been reported in the literature. This variant is reported in 0.13% of alleles in individuals of East Asian descent in gnomAD. At this time, the clinical significance of this variant is uncertain due to the absence of conclusive functional and genetic evidence.

NM_201384.3(PLEC):c.11215G>C (p.Gly3739Arg)

Gene: PLEC (plectin; minus strand). Cytogenetic location: 8q24.3.
Variant type: single nucleotide variant.
Coding change: c.11215G>C on transcript NM_201384.3 (MANE Select); coding-DNA position 11215, G replaced by C.
Protein change: p.Gly3739Arg; replaces glycine 3739 with arginine.
Molecular consequence: missense variant.
Genome position (GRCh38, 1-based): chr8:143,918,606, C>G on the plus strand (G>C on the coding strand, the complement: PLEC is on the minus strand). VCF-style: chr8-143918606-C-G. GRCh37 (hg19) VCF-style: chr8-144992774-C-G.
Other names: c.11296G>C, p.Gly3766Arg (NM_000445.5); c.11173G>C, p.Gly3725Arg (NM_201378.4); c.11149G>C, p.Gly3717Arg (NM_201379.3); c.11626G>C, p.Gly3876Arg (NM_201380.4); c.11119G>C, p.Gly3707Arg (NM_201381.3); c.11215G>C, p.Gly3739Arg (NM_201382.4); c.11227G>C, p.Gly3743Arg (NM_201383.3); c.11296G>C (NM_000445.3); short protein forms G3707R, G3739R, G3725R, G3717R, G3743R, G3766R, G3876R.
Identifiers: ClinVar variation 834603 (VCV000834603.13), dbSNP rs547128082, ClinGen allele CA4924410.